The following is an entry in ClinVar:

ClinVar aggregate classification (germline): Uncertain significance (1 of 4 stars; one submission).

gnomAD v4.1: 1 of 1,487,244 alleles (0.000067%); highest among the groups gnomAD compares: Non-Finnish European, 0.00009%; no homozygotes.

Submission:

Labcorp Genetics (formerly Invitae), Labcorp
Classification: Uncertain significance. Last evaluated: 2020-12-22. Review status: criteria provided, single submitter. Criteria: Invitae Variant Classification Sherloc (09022015). Collection method: clinical testing. Allele origin: germline.
Comment: In summary, the available evidence is currently insufficient to determine the role of this variant in disease. Therefore, it has been classified as a Variant of Uncertain Significance. Nucleotide substitutions within the consensus splice site are a relatively common cause of aberrant splicing (PMID: 17576681, 9536098). Algorithms developed to predict the effect of sequence changes on RNA splicing suggest that this variant is not likely to affect RNA splicing, but this prediction has not been confirmed by published transcriptional studies. This variant has not been reported in the literature in individuals with ATR-related conditions. This variant is not present in population databases (ExAC no frequency). This sequence change falls in intron 34 of the ATR gene. It does not directly change the encoded amino acid sequence of the ATR protein. It affects a nucleotide within the consensus splice site of the intron.

Literature cited by the submitters: PubMed 17576681; PubMed 9536098.

NM_001184.4(ATR):c.5898+5T>C

Gene: ATR (ATR checkpoint kinase; minus strand). Cytogenetic location: 3q23.
Variant type: single nucleotide variant.
Coding change: c.5898+5T>C on transcript NM_001184.4 (MANE Select); 5 bases into the intron after coding-DNA position 5898, T replaced by C.
Molecular consequence: intron variant.
Genome position (GRCh38, 1-based): chr3:142,496,356, A>G on the plus strand (T>C on the coding strand, the complement: ATR is on the minus strand). VCF-style: chr3-142496356-A-G. GRCh37 (hg19) VCF-style: chr3-142215198-A-G.
Other names: c.5706+5T>C (NM_001354579.2).
Identifiers: ClinVar variation 1510820 (VCV001510820.6), dbSNP rs2108333422, ClinGen allele CA2573136666.